The following is an entry in ClinVar:

NM_003489.4(NRIP1):c.608T>G (p.Leu203Arg)

Gene: NRIP1 (nuclear receptor interacting protein 1; minus strand). Cytogenetic location: 21q11.2.
Variant type: single nucleotide variant.
Coding change: c.608T>G on transcript NM_003489.4 (MANE Select); coding-DNA position 608, T replaced by G.
Protein change: p.Leu203Arg; replaces leucine 203 with arginine.
Molecular consequence: missense variant.
Genome position (GRCh38, 1-based): chr21:14,967,585, A>C on the plus strand (T>G on the coding strand, the complement: NRIP1 is on the minus strand). VCF-style: chr21-14967585-A-C. GRCh37 (hg19) VCF-style: chr21-16339906-A-C.
Other names: c.608T>G, p.Leu203Arg (NM_001439275.1, NM_001439276.1, NM_001439277.1 and 10 more transcripts); short protein forms L203R.
Identifiers: ClinVar variation 4122772 (VCV004122772.2).
Genomic context (GRCh38, chr21:14,967,585, plus strand): 5'-CCAACATGATGAGGAGACTCTGCAAACCTATCTCTGATGAGGTTTTTAGTCACATCAGGA[A>C]GATTCGTATCAGGCTTTTGATCTTTAACTTTACTTTTCTTCAACAAAGTTTTTAAGTGAC-3'
Protein context (NP_003480.2, residues 193-213): KVKDQKPDTN[Leu203Arg]PDVTKNLIRD

ClinVar aggregate classification (germline): Uncertain significance. Review status: criteria provided, multiple submitters, no conflicts (2 of 4 stars). 2 submissions from 2 submitters: Uncertain significance (2). Last evaluated 2025-08-20.

Conditions:
Inborn genetic diseases. Identifiers: MedGen C0950123, MeSH D030342.

gnomAD v4.1: 24 of 1,614,154 alleles (0.0015%); highest among the groups gnomAD compares: Middle Eastern, 0.033%; no homozygotes.

Submissions (2):

Ambry Genetics
Classification: Uncertain significance for Inborn genetic diseases. Last evaluated: 2025-08-20. Review status: criteria provided, single submitter. Criteria: Ambry Variant Classification Scheme 2023. Collection method: clinical testing. Allele origin: germline.

Labcorp Genetics (formerly Invitae), Labcorp
Classification: Uncertain significance. Last evaluated: 2025-02-18. Review status: criteria provided, single submitter. Criteria: Invitae Variant Classification Sherloc (09022015). Collection method: clinical testing. Allele origin: germline.
Comment: This sequence change replaces leucine, which is neutral and non-polar, with arginine, which is basic and polar, at codon 203 of the NRIP1 protein (p.Leu203Arg). This variant is present in population databases (rs767345604, gnomAD 0.02%). This variant has not been reported in the literature in individuals affected with NRIP1-related conditions. An algorithm developed to predict the effect of missense changes on protein structure and function (PolyPhen-2) suggests that this variant is likely to be disruptive. In summary, the available evidence is currently insufficient to determine the role of this variant in disease. Therefore, it has been classified as a Variant of Uncertain Significance.